The following is an entry in ClinVar:

ClinVar aggregate classification (germline): Benign (1 of 4 stars; one submission).

Allele frequency attached by ClinVar (database versions not stated): ESP Exome Variant Server 0.45402; TOPMed 0.47354; gnomAD 0.48283; 1000 Genomes Project 30x 0.53076; gnomAD exomes 0.53933; 1000 Genomes Project 0.53934; ExAC 0.54899.
gnomAD v4.1: 857,070 of 1,604,430 alleles (53%); highest among the groups gnomAD compares: East Asian, 80%; 233,604 homozygotes.

Submission:

Unidad de Genómica Garrahan, Hospital de Pediatría Garrahan
Classification: Benign. Last evaluated: 2024-01-24. Review status: criteria provided, single submitter. Criteria: ACMG Guidelines, 2015. Collection method: clinical testing. Allele origin: germline. Affected: no. Observed: 77 variant alleles.
Comment: This variant is classified as Benign based on local population frequency. This variant was detected in 81% of patients studied by a panel of primary immunodeficiencies. Number of patients: 77. Only high quality variants are reported.

NM_005337.5(NCKAP1L):c.1338+46C>T

Gene: NCKAP1L (NCK associated protein 1 like; plus strand). Cytogenetic location: 12q13.2.
Variant type: single nucleotide variant.
Coding change: c.1338+46C>T on transcript NM_005337.5 (MANE Select); 46 bases into the intron after coding-DNA position 1338, C replaced by T.
Molecular consequence: intron variant.
Genome position (GRCh38, 1-based): chr12:54,517,984, C>T. VCF-style: chr12-54517984-C-T. GRCh37 (hg19) VCF-style: chr12-54911768-C-T.
Other names: c.1188+46C>T (NM_001184976.2).
Identifiers: ClinVar variation 2687977 (VCV002687977.2), dbSNP rs1795838, ClinGen allele CA6609110.